The following is an entry in ClinVar:

NM_002691.4(POLD1):c.3236del (p.Phe1079fs)

Gene: POLD1 (DNA polymerase delta 1, catalytic subunit; plus strand). Cytogenetic location: 19q13.33.
Variant type: Deletion.
Coding change: c.3236del on transcript NM_002691.4 (MANE Select); coding-DNA position 3236, one base deleted (T; older notation c.3236delT).
Protein change: p.Phe1079fs; shifts the reading frame from phenylalanine 1079.
Molecular consequence: frameshift variant. On other transcripts: non-coding transcript variant (1).
Genome position (GRCh38, 1-based): chr19:50,417,859, T deleted; the last of 2 consecutive T bases (chr19:50,417,858-50,417,859); deleting either gives the same sequence. VCF-style (leftmost placement, unchanged base first): chr19-50417857-CT-C. GRCh37 (hg19) VCF-style: chr19-50921114-CT-C.
Other names: c.3236del, p.Phe1079fs (NM_001256849.1); c.3314del, p.Phe1105fs (NM_001308632.1); c.3236delT (NM_002691.2); short protein forms F1079fs, F1105fs.
Identifiers: ClinVar variation 1523204 (VCV001523204.7), dbSNP rs2122521470, ClinGen allele CA2573156790.

ClinVar aggregate classification (germline): Uncertain significance. Review status: criteria provided, multiple submitters, no conflicts (2 of 4 stars). 2 submissions from 2 submitters: Uncertain significance (2). Last evaluated 2025-07-07.

Conditions:
POLD1-related polyposis and colorectal cancer syndrome (CRCS10). Also called: Colorectal cancer 10; COLORECTAL CANCER, SUSCEPTIBILITY TO, ON CHROMOSOME 19q; Colorectal cancer, susceptibility to, 10. Identifiers: Orphanet 220460, MedGen C2675481, MONDO:0012953, OMIM 612591.
Hereditary cancer-predisposing syndrome. Also called: Neoplastic Syndromes, Hereditary; Tumor predisposition; Hereditary Cancer Syndrome; Hereditary neoplastic syndrome. Identifiers: Orphanet 140162, MedGen C0027672, MeSH D009386, MONDO:0015356.

Submissions (2):

Ambry Genetics
Classification: Uncertain significance for Hereditary cancer-predisposing syndrome. Last evaluated: 2025-07-07. Review status: criteria provided, single submitter. Criteria: Ambry Variant Classification Scheme 2023. Collection method: clinical testing. Allele origin: germline.
Comment: The c.3236delT variant, located in coding exon 26 of the POLD1 gene, results from a deletion of one nucleotide at nucleotide position 3236, causing a translational frameshift with a predicted alternate stop codon (p.F1079Sfs*45). This alteration occurs at the 3' terminus of thePOLD1 gene, is not expected to trigger nonsense-mediated mRNAdecay and results in the elongation of the protein by 15 amino acids. This frameshift impacts the last 2.6% amino acids of the native protein. The exact functional effect of the altered amino acids is unknown. Based on the available evidence, the clinical significance of this variant remains unclear.

Labcorp Genetics (formerly Invitae), Labcorp
Classification: Uncertain significance for POLD1-related polyposis and colorectal cancer syndrome. Last evaluated: 2021-04-06. Review status: criteria provided, single submitter. Criteria: Invitae Variant Classification Sherloc (09022015). Collection method: clinical testing. Allele origin: germline.
Comment: Missense variants that disrupt the 3'-5' exonuclease (proof-reading) activity of the POLD1 protein are associated with an increased risk for colonic adenomatous polyps and colon cancer (PMID: 23263490, 23447401). However, loss-of-function variants which result in an absent or severely disrupted POLD1 protein, and missense variants outside the exonuclease domain, are unlikely to be associated with polyposis or colon cancer. Without further clinical and genetic evidence, this variant has been classified as a Variant of Uncertain Significance. This variant has not been reported in the literature in individuals with POLD1-related conditions. This variant is not present in population databases (ExAC no frequency). This sequence change results in a frameshift in the POLD1 gene (p.Phe1079Serfs*45). While this is not anticipated to result in nonsense mediated decay, it is expected to disrupt the last 29 amino acid(s) of the POLD1 protein and extend the protein by 15 additional amino acid residues.

Literature cited by the submitters: PubMed 23263490 (cited by Labcorp Genetics (formerly Invitae), Labcorp); PubMed 23447401 (cited by Labcorp Genetics (formerly Invitae), Labcorp).